The following is an entry in ClinVar:

ClinVar aggregate classification (germline): Uncertain significance (1 of 4 stars; one submission).

Submission:

Dasa
Classification: Uncertain significance. Last evaluated: 2025-02-17. Review status: criteria provided, single submitter. Criteria: DASA Assertion Criteria. Collection method: clinical testing. Allele origin: germline.
Comment: NM_138459.5(NUS1):c.748A>G (p.Thr250Ala) is a missense variant that results in the substitution of threonine with alanine. This variant is absent from population databases. Computational prediction algorithms are consistent with a benign effect. The currently available literature and clinical evidence are not sufficient to establish a definitive association between this variant and the reported condition. Therefore, this variant is classified as a variant of uncertain significance.

NM_138459.5(NUS1):c.748A>G (p.Thr250Ala)

Gene: NUS1 (NUS1 dehydrodolichyl diphosphate synthase subunit; plus strand). Cytogenetic location: 6q22.1.
Variant type: single nucleotide variant.
Coding change: c.748A>G on transcript NM_138459.5 (MANE Select); coding-DNA position 748, A replaced by G.
Protein change: p.Thr250Ala; replaces threonine 250 with alanine.
Molecular consequence: missense variant.
Genome position (GRCh38, 1-based): chr6:117,703,661, A>G. VCF-style: chr6-117703661-A-G. GRCh37 (hg19) VCF-style: chr6-118024824-A-G.
Other names: short protein forms T250A.
Identifiers: ClinVar variation 4881234 (VCV004881234.2).